The following is an entry in ClinVar:

NM_022124.6(CDH23):c.2362G>T (p.Val788Leu)

Gene: CDH23 (cadherin related 23; plus strand). Cytogenetic location: 10q22.1.
Variant type: single nucleotide variant.
Coding change: c.2362G>T on transcript NM_022124.6 (MANE Select); coding-DNA position 2362, G replaced by T.
Protein change: p.Val788Leu; replaces valine 788 with leucine.
Molecular consequence: missense variant.
Genome position (GRCh38, 1-based): chr10:71,695,490, G>T. VCF-style: chr10-71695490-G-T. GRCh37 (hg19) VCF-style: chr10-73455247-G-T.
Other names: c.2362G>T, p.Val788Leu (NM_001171930.2, NM_001171931.2); short protein forms V788L.
Identifiers: ClinVar variation 1506974 (VCV001506974.8), dbSNP rs1467465678, ClinGen allele CA377136594.
Genomic context (GRCh38, chr10:71,695,490, plus strand): 5'-CTCCTGGACATCAATGACAACCACCCCACGTGGAAGGACGCACCCTACTACATCAACCTG[G>T]TGGAGATGACCCCTCCAGACTCTGATGTGACCACGGTAGGTGGTGGCAGAGCAGCAGAAC-3'
Protein context (NP_071407.4, residues 778-798): WKDAPYYINL[Val788Leu]EMTPPDSDVT

ClinVar aggregate classification (germline): Uncertain significance (1 of 4 stars; one submission).

Allele frequency attached by ClinVar (database versions not stated): gnomAD exomes below 0.00001; TOPMed below 0.00001; gnomAD 0.00001.
gnomAD v4.1: 4 of 1,613,418 alleles (0.00025%); highest among the groups gnomAD compares: Non-Finnish European, 0.00034%; no homozygotes.

Submission:

Labcorp Genetics (formerly Invitae), Labcorp
Classification: Uncertain significance. Last evaluated: 2023-08-10. Review status: criteria provided, single submitter. Criteria: Invitae Variant Classification Sherloc (09022015). Collection method: clinical testing. Allele origin: germline.
Comment: In summary, the available evidence is currently insufficient to determine the role of this variant in disease. Therefore, it has been classified as a Variant of Uncertain Significance. Advanced modeling of protein sequence and biophysical properties (such as structural, functional, and spatial information, amino acid conservation, physicochemical variation, residue mobility, and thermodynamic stability) performed at Invitae indicates that this missense variant is not expected to disrupt CDH23 protein function. This sequence change replaces valine, which is neutral and non-polar, with leucine, which is neutral and non-polar, at codon 788 of the CDH23 protein (p.Val788Leu). This variant is present in population databases (no rsID available, gnomAD 0.007%). This variant has not been reported in the literature in individuals affected with CDH23-related conditions. ClinVar contains an entry for this variant (Variation ID: 1506974).